The following is an entry in ClinVar:

NM_004444.5(EPHB4):c.194G>C (p.Arg65Pro)

Gene: EPHB4 (EPH receptor B4; minus strand). Cytogenetic location: 7q22.1.
Variant type: single nucleotide variant.
Coding change: c.194G>C on transcript NM_004444.5 (MANE Select); coding-DNA position 194, G replaced by C.
Protein change: p.Arg65Pro; replaces arginine 65 with proline.
Molecular consequence: missense variant.
Genome position (GRCh38, 1-based): chr7:100,823,861, C>G on the plus strand (G>C on the coding strand, the complement: EPHB4 is on the minus strand). VCF-style: chr7-100823861-C-G. GRCh37 (hg19) VCF-style: chr7-100421483-C-G.
Other names: short protein forms R65P.
Identifiers: ClinVar variation 1702576 (VCV001702576.2), dbSNP rs751727413, ClinGen allele CA368584507.

ClinVar aggregate classification (germline): Uncertain significance (1 of 4 stars; one submission).

Submission:

GeneDx
Classification: Uncertain significance. Last evaluated: 2022-02-16. Review status: criteria provided, single submitter. Criteria: GeneDx Variant Classification Process June 2021. Collection method: clinical testing. Allele origin: germline. Affected: yes.
Comment: Not observed at significant frequency in large population cohorts (gnomAD); In silico analysis supports that this missense variant does not alter protein structure/function; Has not been previously published as pathogenic or benign to our knowledge